The following is an entry in ClinVar:

ClinVar aggregate classification (germline): Uncertain significance. Review status: criteria provided, multiple submitters, no conflicts (2 of 4 stars). 5 submissions from 5 submitters: Uncertain significance (5). Last evaluated 2025-11-19.

Conditions:
Inborn genetic diseases. Identifiers: MedGen C0950123, MeSH D030342.

Allele frequency attached by ClinVar (database versions not stated): gnomAD 0.00007 and 0.00009; gnomAD exomes 0.00008; TOPMed 0.00008; ExAC 0.00014; ESP Exome Variant Server 0.00024.
gnomAD v4.1: 127 of 1,598,772 alleles (0.0079%); highest among the groups gnomAD compares: Middle Eastern, 0.022%; no homozygotes.

Submissions (5):

Ambry Genetics
Classification: Uncertain significance for Inborn genetic diseases. Last evaluated: 2025-11-19. Review status: criteria provided, single submitter. Criteria: Ambry Variant Classification Scheme 2023. Collection method: clinical testing. Allele origin: germline.

Blueprint Genetics
Classification: Uncertain significance. Last evaluated: 2024-08-21. Review status: criteria provided, single submitter. Criteria: ACMG Guidelines, 2015. Collection method: clinical testing. Allele origin: germline.

Labcorp Genetics (formerly Invitae), Labcorp
Classification: Uncertain significance. Last evaluated: 2023-12-11. Review status: criteria provided, single submitter. Criteria: Invitae Variant Classification Sherloc (09022015). Collection method: clinical testing. Allele origin: germline.
Comment: This sequence change replaces arginine, which is basic and polar, with glutamine, which is neutral and polar, at codon 166 of the EARS2 protein (p.Arg166Gln). This variant is present in population databases (rs372147741, gnomAD 0.02%). This variant has not been reported in the literature in individuals affected with EARS2-related conditions. ClinVar contains an entry for this variant (Variation ID: 808017). Advanced modeling of protein sequence and biophysical properties (such as structural, functional, and spatial information, amino acid conservation, physicochemical variation, residue mobility, and thermodynamic stability) has been performed at Invitae for this missense variant, however the output from this modeling did not meet the statistical confidence thresholds required to predict the impact of this variant on EARS2 protein function. In summary, the available evidence is currently insufficient to determine the role of this variant in disease. Therefore, it has been classified as a Variant of Uncertain Significance.

GeneDx
Classification: Uncertain significance. Last evaluated: 2023-11-01. Review status: criteria provided, single submitter. Criteria: GeneDx Variant Classification Process June 2021. Collection method: clinical testing. Allele origin: germline. Affected: yes.
Comment: In silico analysis supports that this missense variant has a deleterious effect on protein structure/function; Has not been previously published as pathogenic or benign to our knowledge

CeGaT Center for Human Genetics Tuebingen
Classification: Uncertain significance. Last evaluated: 2016-11-01. Review status: criteria provided, single submitter. Criteria: CeGaT Center For Human Genetics Tuebingen Variant Classification Criteria Version 2. Collection method: clinical testing. Allele origin: germline. Affected: yes. Observed: 1 variant allele.

NM_001083614.2(EARS2):c.497G>A (p.Arg166Gln)

Gene: EARS2 (glutamyl-tRNA synthetase 2, mitochondrial; minus strand). Cytogenetic location: 16p12.2.
Variant type: single nucleotide variant.
Coding change: c.497G>A on transcript NM_001083614.2 (MANE Select); coding-DNA position 497, G replaced by A.
Protein change: p.Arg166Gln; replaces arginine 166 with glutamine.
Molecular consequence: missense variant. On other transcripts: non-coding transcript variant (1).
Genome position (GRCh38, 1-based): chr16:23,535,349, C>T on the plus strand (G>A on the coding strand, the complement: EARS2 is on the minus strand). VCF-style: chr16-23535349-C-T. GRCh37 (hg19) VCF-style: chr16-23546670-C-T.
Other names: c.497G>A, p.Arg166Gln (NM_001308211.1); short protein forms R166Q.
Identifiers: ClinVar variation 808017 (VCV000808017.50), dbSNP rs372147741, ClinGen allele CA7962563.